The following is an entry in ClinVar:

NM_004991.4(MECOM):c.1133-1_1133delinsAA

Gene: MECOM (MDS1 and EVI1 complex locus; minus strand). Cytogenetic location: 3q26.2.
Variant type: Indel.
Coding change: c.1133-1_1133delinsAA on transcript NM_004991.4 (MANE Select); the canonical splice acceptor site of the intron before coding-DNA position 1133 through coding-DNA position 1133, GG replaced by AA.
Molecular consequence: splice acceptor variant. On other transcripts: intron variant (2).
Genome position (GRCh38, 1-based): chr3:169,116,739-169,116,740, CC replaced by TT on the plus strand (GG replaced by AA on the coding strand, the reverse complement: MECOM is on the minus strand). VCF-style: chr3-169116739-CC-TT. GRCh37 (hg19) VCF-style: chr3-168834527-CC-TT.
Other names: c.569-1_569delinsAA (NM_001164000.2, NM_001366469.2, NM_001366471.2 and 4 more transcripts); c.572-1_572delinsAA (NM_001366470.2, NM_001366467.2, NM_001366468.2 and 1 more transcripts); c.764-1_764delinsAA (NM_001105077.4); c.1133-973_1133-972delinsAA (NM_001366473.2); c.1133-1_1133delinsAA (NM_001366466.2); c.569-973_569-972delinsAA (NM_001366474.2).
Identifiers: ClinVar variation 1338663 (VCV001338663.4), dbSNP rs2149083036, ClinGen allele CA2573052110.

ClinVar aggregate classification (germline): Uncertain significance (1 of 4 stars; one submission).

Submission:

Genetic Services Laboratory, University of Chicago
Classification: Uncertain significance. Last evaluated: 2021-09-15. Review status: criteria provided, single submitter. Criteria: ACMG Guidelines, 2015. Collection method: clinical testing. Allele origin: germline. Affected: no.
Comment: DNA sequence analysis of the MECOM gene demonstrated a deletion and insertion of two base pairs in intron 6, c.569-1_569delinsAA. This sequence change does not appear to have been previously described in individuals with MECOM-related thrombocytopenia. This sequence change has not been described in the population databases such as ExAC and gnomAD. The functional significance of this sequence change is not known at present and its contribution to this individual's disease phenotype cannot definitively be determined.